The following is an entry in ClinVar:

NM_031935.3(HMCN1):c.9977G>A (p.Gly3326Glu)

Gene: HMCN1 (hemicentin 1; plus strand). Cytogenetic location: 1q31.1.
Variant type: single nucleotide variant.
Coding change: c.9977G>A on transcript NM_031935.3 (MANE Select); coding-DNA position 9977, G replaced by A.
Protein change: p.Gly3326Glu; replaces glycine 3326 with glutamic acid.
Molecular consequence: missense variant.
Genome position (GRCh38, 1-based): chr1:186,093,223, G>A. VCF-style: chr1-186093223-G-A. GRCh37 (hg19) VCF-style: chr1-186062355-G-A.
Other names: short protein forms G3326E.
Identifiers: ClinVar variation 4780203 (VCV004780203.1).
Genomic context (GRCh38, chr1:186,093,223, plus strand): 5'-TTTATGGAGCTCTTACATCTGACACGGGGAAATACACATGTGTTGCTACTAATCCCGCTG[G>A]AGAAGAAGACCGAATTTTTAACTTGAATGTCTATGGTAAATATGAAATATCCCCCTCTTT-3'
Protein context (NP_114141.2, residues 3316-3336): KYTCVATNPA[Gly3326Glu]EEDRIFNLNV

ClinVar aggregate classification (germline): Uncertain significance (1 of 4 stars; one submission).

gnomAD v4.1: 6 of 1,613,230 alleles (0.00037%); highest among the groups gnomAD compares: Non-Finnish European, 0.00051%; no homozygotes.

Submission:

Labcorp Genetics (formerly Invitae), Labcorp
Classification: Uncertain significance. Last evaluated: 2025-03-19. Review status: criteria provided, single submitter. Criteria: Invitae Variant Classification Sherloc (09022015). Collection method: clinical testing. Allele origin: germline.
Comment: This sequence change replaces glycine, which is neutral and non-polar, with glutamic acid, which is acidic and polar, at codon 3326 of the HMCN1 protein (p.Gly3326Glu). This variant is present in population databases (rs745561989, gnomAD 0.0009%). This variant has not been reported in the literature in individuals affected with HMCN1-related conditions. An algorithm developed to predict the effect of missense changes on protein structure and function (PolyPhen-2) suggests that this variant is likely to be disruptive. In summary, the available evidence is currently insufficient to determine the role of this variant in disease. Therefore, it has been classified as a Variant of Uncertain Significance.